The following is an entry in ClinVar:

ClinVar aggregate classification (germline): Likely pathogenic. Review status: criteria provided, multiple submitters, no conflicts (2 of 4 stars). 4 submissions from 4 submitters: Likely pathogenic (4). Last evaluated 2025-04-23.

Conditions:
Retinitis pigmentosa 26 (RP26). Identifiers: Orphanet 791, MedGen C1842127, MONDO:0012024, OMIM 608380.
Retinitis pigmentosa (RP). Identifiers: Orphanet 791, MedGen C0035334, MeSH D012174, MONDO:0019200, OMIM 268000. Inheritance: Autosomal dominant, autosomal recessive and X linked inheritance.
CERKL-related disorders.

Allele frequency attached by ClinVar (database versions not stated): gnomAD exomes below 0.00001.
gnomAD v4.1: 1 of 1,550,806 alleles (0.000064%); highest among the groups gnomAD compares: Admixed American, 0.0017%; no homozygotes.

Submissions (4):

Natera, Inc.
Classification: Likely pathogenic for Retinitis Pigmentosa 26. Last evaluated: 2025-04-23. Review status: criteria provided, single submitter. Criteria: Natera Variant Classification Schema (03/2026). Collection method: clinical testing. Allele origin: germline.
Comment: The c.1444-2A>G variant in CERKL is a canonical splice acceptor site variant predicted to affect pre-mRNA splicing, which may result in an abnormal transcript and altered protein product. This variant is expected to result in nonsense mediated decay, truncation, or a dysfunctional protein product. This variant is rare in the general population with a frequency below the threshold expected for the associated phenotype(s). Given the available evidence, this variant is classified as Likely Pathogenic.

Baylor Genetics
Classification: Likely pathogenic for Retinitis pigmentosa 26. Last evaluated: 2024-03-12. Review status: criteria provided, single submitter. Criteria: ACMG Guidelines, 2015. Collection method: clinical testing. Allele origin: unknown.

Blueprint Genetics
Classification: Likely pathogenic for CERKL-related disorders. Last evaluated: 2023-11-27. Review status: criteria provided, single submitter. Criteria: ACMG Guidelines, 2015. Collection method: clinical testing. Allele origin: germline. Affected: yes. Observed: 2 variant alleles.

Women's Health and Genetics/Laboratory Corporation of America, LabCorp
Classification: Likely pathogenic for Retinitis pigmentosa. Last evaluated: 2023-03-01. Review status: criteria provided, single submitter. Criteria: LabCorp Variant Classification Summary - May 2015. Collection method: clinical testing. Allele origin: germline.
Comment: Variant summary: CERKL c.1444-2A>G is located in a canonical splice-site and is predicted to affect mRNA splicing resulting in a significantly altered protein due to either exon skipping, shortening, or inclusion of intronic material. The variant allele was found at a frequency of 4e-06 in 249254 control chromosomes (gnomAD). To our knowledge, no occurrence of c.1444-2A>G in individuals affected with Retinitis Pigmentosa and no experimental evidence demonstrating its impact on protein function have been reported. No clinical diagnostic laboratories have submitted clinical-significance assessments for this variant to ClinVar after 2014. Based on the evidence outlined above, the variant was classified as likely pathogenic.

NM_201548.5(CERKL):c.1366-2A>G

Gene: CERKL (CERK like autophagy regulator; minus strand). Cytogenetic location: 2q31.3.
Variant type: single nucleotide variant.
Coding change: c.1366-2A>G on transcript NM_201548.5 (MANE Select); the canonical splice acceptor site of the intron before coding-DNA position 1366, A replaced by G.
Molecular consequence: splice acceptor variant.
Genome position (GRCh38, 1-based): chr2:181,539,266, T>C on the plus strand (A>G on the coding strand, the complement: CERKL is on the minus strand). VCF-style: chr2-181539266-T-C. GRCh37 (hg19) VCF-style: chr2-182403993-T-C.
Other names: c.1027-2A>G (NM_001030312.3); c.1312-2A>G (NM_001160277.2); c.1159-2A>G (NM_001030313.3); c.1444-2A>G (NM_001030311.3).
Identifiers: ClinVar variation 2501097 (VCV002501097.5), dbSNP rs1378520293, ClinGen allele CA349733514.